The following is an entry in ClinVar:

ClinVar aggregate classification (germline): Uncertain significance (1 of 4 stars; one submission).

Submission:

Labcorp Genetics (formerly Invitae), Labcorp
Classification: Uncertain significance. Last evaluated: 2025-08-06. Review status: criteria provided, single submitter. Criteria: Invitae Variant Classification Sherloc (09022015). Collection method: clinical testing. Allele origin: germline.
Comment: This sequence change replaces serine, which is neutral and polar, with threonine, which is neutral and polar, at codon 114 of the GATA5 protein (p.Ser114Thr). This variant is not present in population databases (gnomAD no frequency). This variant has not been reported in the literature in individuals affected with GATA5-related conditions. Invitae Evidence Modeling of protein sequence and biophysical properties (such as structural, functional, and spatial information, amino acid conservation, physicochemical variation, residue mobility, and thermodynamic stability) indicates that this missense variant is not expected to disrupt GATA5 protein function with a negative predictive value of 80%. In summary, the available evidence is currently insufficient to determine the role of this variant in disease. Therefore, it has been classified as a Variant of Uncertain Significance.

NM_080473.5(GATA5):c.341G>C (p.Ser114Thr)

Gene: GATA5 (GATA binding protein 5; minus strand). Cytogenetic location: 20q13.33.
Variant type: single nucleotide variant.
Coding change: c.341G>C on transcript NM_080473.5 (MANE Select); coding-DNA position 341, G replaced by C.
Protein change: p.Ser114Thr; replaces serine 114 with threonine.
Molecular consequence: missense variant.
Genome position (GRCh38, 1-based): chr20:62,475,181, C>G on the plus strand (G>C on the coding strand, the complement: GATA5 is on the minus strand). VCF-style: chr20-62475181-C-G. GRCh37 (hg19) VCF-style: chr20-61050237-C-G.
Other names: short protein forms S114T.
Identifiers: ClinVar variation 4744386 (VCV004744386.1).